The following is an entry in ClinVar:

NM_001083614.2(EARS2):c.633C>T (p.Ala211=)

Gene: EARS2 (glutamyl-tRNA synthetase 2, mitochondrial; minus strand). Cytogenetic location: 16p12.2.
Variant type: single nucleotide variant.
Coding change: c.633C>T on transcript NM_001083614.2 (MANE Select); coding-DNA position 633, C replaced by T.
Protein change: p.Ala211=; no amino-acid change (alanine 211 retained).
Molecular consequence: synonymous variant. On other transcripts: non-coding transcript variant (1).
Genome position (GRCh38, 1-based): chr16:23,535,213, G>A on the plus strand (C>T on the coding strand, the complement: EARS2 is on the minus strand). VCF-style: chr16-23535213-G-A. GRCh37 (hg19) VCF-style: chr16-23546534-G-A.
Other names: c.633C>T, p.Ala211= (NM_001308211.1).
Identifiers: ClinVar variation 758199 (VCV000758199.5), dbSNP rs373878734, ClinGen allele CA7962535.
Genomic context (GRCh38, chr16:23,535,213, plus strand): 5'-GGCCAGGTGGTATGTGGGGAAGCCGTCGCTCTTCATGATGACTGGGTCTCCCTCCACGCT[G>A]GCCACTTCATGCCTATTCCAGCCATAGACCAGGTCCTGGAAGGCTGGCACCACCTGCTCC-3'
Protein context (NP_001077083.1, residues 201-221): LVYGWNRHEV[Ala211=]SVEGDPVIMK

ClinVar aggregate classification (germline): Likely benign. Review status: criteria provided, single submitter (1 of 4 stars). 2 submissions from 2 submitters: Likely benign (1). 1 of the submissions does not count toward it. Last evaluated 2018-07-16.

Conditions:
EARS2-related disorder. Also called: EARS2-related disorders; EARS2-related condition.

Allele frequency attached by ClinVar (database versions not stated): gnomAD exomes below 0.00001 and 0.00001; TOPMed below 0.00001; ExAC 0.00001; ESP Exome Variant Server 0.00008.
gnomAD v4.1: 6 of 1,613,628 alleles (0.00037%); highest among the groups gnomAD compares: Middle Eastern, 0.017%; no homozygotes.

Submissions (2):

Labcorp Genetics (formerly Invitae), Labcorp
Classification: Likely benign. Last evaluated: 2018-07-16. Review status: criteria provided, single submitter. Criteria: Invitae Variant Classification Sherloc (09022015). Collection method: clinical testing. Allele origin: germline.

PreventionGenetics, part of Exact Sciences
Classification: Likely benign for EARS2-related condition. Last evaluated: 2021-04-23. Review status: no assertion criteria provided. Collection method: clinical testing. Allele origin: germline. Not counted in ClinVar's aggregate classification.
Comment: This variant is classified as likely benign based on ACMG/AMP sequence variant interpretation guidelines (Richards et al. 2015 PMID: 25741868, with internal and published modifications).